The following is an entry in ClinVar:

ClinVar aggregate classification (germline): Uncertain significance (1 of 4 stars; one submission).

Conditions:
Hereditary cancer-predisposing syndrome. Also called: Hereditary Cancer Syndrome; Hereditary neoplastic syndrome; Neoplastic Syndromes, Hereditary; Tumor predisposition. Identifiers: Orphanet 140162, MedGen C0027672, MeSH D009386, MONDO:0015356.

Submission:

Ambry Genetics
Classification: Uncertain significance for Hereditary cancer-predisposing syndrome. Last evaluated: 2022-08-29. Review status: criteria provided, single submitter. Criteria: Ambry Variant Classification Scheme 2023. Collection method: clinical testing. Allele origin: germline.
Comment: The p.E475G variant (also known as c.1424A>G), located in coding exon 9 of the PDGFRA gene, results from an A to G substitution at nucleotide position 1424. The glutamic acid at codon 475 is replaced by glycine, an amino acid with similar properties. This amino acid position is conserved. In addition, this alteration is predicted to be tolerated by in silico analysis. Since supporting evidence is limited at this time, the clinical significance of this alteration remains unclear.

NM_006206.6(PDGFRA):c.1424A>G (p.Glu475Gly)

Gene: PDGFRA (platelet derived growth factor receptor alpha; plus strand). Cytogenetic location: 4q12.
Variant type: single nucleotide variant.
Coding change: c.1424A>G on transcript NM_006206.6 (MANE Select); coding-DNA position 1424, A replaced by G.
Protein change: p.Glu475Gly; replaces glutamic acid 475 with glycine.
Molecular consequence: missense variant.
Genome position (GRCh38, 1-based): chr4:54,273,596, A>G. VCF-style: chr4-54273596-A-G. GRCh37 (hg19) VCF-style: chr4-55139763-A-G.
Other names: c.1424A>G, p.Glu475Gly (NM_001347827.2, NM_001347829.2); c.1499A>G, p.Glu500Gly (NM_001347828.2); c.1463A>G, p.Glu488Gly (NM_001347830.2); short protein forms E475G, E488G, E500G.
Identifiers: ClinVar variation 1772325 (VCV001772325.2), dbSNP rs780125769, ClinGen allele CA356892539.